The following is an entry in ClinVar:

NC_012920.1(MT-ATP6):m.8840C>T

Gene: MT-ATP6 (mitochondrially encoded ATP synthase 6; plus strand).
Variant type: single nucleotide variant.
Genome position: chrM-8840-C-T.
Identifiers: ClinVar variation 692997 (VCV000692997.1), dbSNP rs1603221837, ClinGen allele CA414798419.

ClinVar aggregate classification (germline): Uncertain significance (1 of 4 stars; one submission).

Conditions:
Leigh syndrome (NULS). Also called: Leigh's necrotizing encephalopathy; Leigh's disease; Leigh Syndrome (mtDNA deletion); Leigh Disease; Subacute necrotizing encephalopathy; Necrotizing encephalopathy infantile subacute of Leigh. Identifiers: Orphanet 506, MedGen C2931891, MONDO:0009723, OMIM 256000.

Submission:

Wong Mito Lab, Molecular and Human Genetics, Baylor College of Medicine
Classification: Uncertain significance for Leigh syndrome. Last evaluated: 2019-10-17. Review status: criteria provided, single submitter. Criteria: Modified ACMG Guidelines (Unpublished). Collection method: clinical testing. Allele origin: germline.
Comment: The NC_012920.1:m.8840C>T (YP_003024031.1:p.Ala105Val) variant in MTATP6 gene is interpretated to be a Uncertain Significance variant based on the modified ACMG guidelines (unpublished). This variant meets the following evidence codes: PP3